The following is an entry in ClinVar:

ClinVar aggregate classification (germline): Benign/Likely benign. Review status: criteria provided, multiple submitters, no conflicts (2 of 4 stars). 3 submissions from 3 submitters: Benign (1); Likely benign (2). Last evaluated 2025-08-12.

Conditions:
Melanoma-pancreatic cancer syndrome. Identifiers: Orphanet 404560, MedGen C1838547, MONDO:0011713, OMIM 606719. Disease mechanism: loss of function.
Familial melanoma. Also called: Hereditary melanoma; Hereditary cutaneous melanoma. Identifiers: Orphanet 618, MedGen C1512419, MONDO:0018961.
Hereditary cancer-predisposing syndrome. Also called: Neoplastic Syndromes, Hereditary; Tumor predisposition; Hereditary Cancer Syndrome; Hereditary neoplastic syndrome. Identifiers: Orphanet 140162, MedGen C0027672, MeSH D009386, MONDO:0015356.

Submissions (3):

Myriad Genetics, Inc.
Classification: Benign for Melanoma-pancreatic cancer syndrome. Last evaluated: 2025-08-12. Review status: criteria provided, single submitter. Criteria: Myriad Autosomal Dominant, Autosomal Recessive and X-Linked Classification Criteria (2023). Collection method: clinical testing. Allele origin: unknown.
Comment: This variant is considered benign. This variant is a silent/synonymous amino acid change and it is not expected to impact splicing.

Ambry Genetics
Classification: Likely benign for Hereditary cancer-predisposing syndrome. Last evaluated: 2024-04-02. Review status: criteria provided, single submitter. Criteria: Ambry Variant Classification Scheme 2023. Collection method: clinical testing. Allele origin: germline.

Labcorp Genetics (formerly Invitae), Labcorp
Classification: Likely benign for Familial melanoma. Last evaluated: 2021-01-20. Review status: criteria provided, single submitter. Criteria: Invitae Variant Classification Sherloc (09022015). Collection method: clinical testing. Allele origin: germline.

NM_058195.4(CDKN2A):c.39C>G (p.Arg13=)

Gene: CDKN2A (cyclin dependent kinase inhibitor 2A; minus strand). Cytogenetic location: 9p21.3.
Variant type: single nucleotide variant.
Coding change: c.39C>G on transcript NM_058195.4 (MANE Plus Clinical); coding-DNA position 39, C replaced by G.
Protein change: p.Arg13=; no amino-acid change (arginine 13 retained).
Molecular consequence: synonymous variant. On other transcripts: intron variant (1).
Genome position (GRCh38, 1-based): chr9:21,994,293, G>C on the plus strand (C>G on the coding strand, the complement: CDKN2A is on the minus strand). VCF-style: chr9-21994293-G-C. GRCh37 (hg19) VCF-style: chr9-21994292-G-C.
Other names: c.-4+528C>G (NM_001363763.2).
Identifiers: ClinVar variation 1609778 (VCV001609778.6), dbSNP rs747061582, ClinGen allele CA464100366.
Genomic context (GRCh38, chr9:21,994,293, plus strand): 5'-CTCCCCCGTGAGCCGCGGGATGTGAACCACGAAAACCCTCACTCGCGGCGGGCCGCACGC[G>C]CGCCGAATCCGGAGGGTCACCAAGAACCTGCGCACCATGTTCTCGCCGCCTCCAGGGCCG-3'
Protein context (NP_478102.2, residues 3-23): RRFLVTLRIR[Arg13=]ACGPPRVRVF